The following is an entry in ClinVar:

ClinVar aggregate classification (germline): Uncertain significance. Review status: criteria provided, multiple submitters, no conflicts (2 of 4 stars). 2 submissions from 2 submitters: Uncertain significance (2). Last evaluated 2025-11-01.

Conditions:
Hereditary cancer-predisposing syndrome. Also called: Neoplastic Syndromes, Hereditary; Hereditary Cancer Syndrome; Hereditary neoplastic syndrome; Tumor predisposition. Identifiers: Orphanet 140162, MedGen C0027672, MeSH D009386, MONDO:0015356.
EGFR-related lung cancer (EGFR). Identifiers: MedGen CN130014.
Lung cancer. Also called: Malignant tumor of lung; Lung cancer, somatic. Identifiers: MedGen C0242379, MONDO:0008903, OMIM 211980.
Inflammatory skin and bowel disease, neonatal, 2 (NNCIS). Identifiers: Orphanet 294023, MedGen C4015130, MONDO:0014481, OMIM 616069.

Allele frequency attached by ClinVar (database versions not stated): gnomAD exomes below 0.00001; TOPMed below 0.00001; gnomAD 0.00001.
gnomAD v4.1: 3 of 1,614,058 alleles (0.00019%); highest among the groups gnomAD compares: Non-Finnish European, 0.00025%; no homozygotes.

Submissions (2):

Labcorp Genetics (formerly Invitae), Labcorp
Classification: Uncertain significance for EGFR-related lung cancer. Last evaluated: 2025-11-01. Review status: criteria provided, single submitter. Criteria: Invitae Variant Classification Sherloc (09022015). Collection method: clinical testing. Allele origin: germline.
Comment: This sequence change replaces glutamic acid, which is acidic and polar, with lysine, which is basic and polar, at codon 114 of the EGFR protein (p.Glu114Lys). This variant is not present in population databases (gnomAD no frequency). This variant has not been reported in the literature in individuals affected with EGFR-related conditions. ClinVar contains an entry for this variant (Variation ID: 1059673). Invitae Evidence Modeling of protein sequence and biophysical properties (such as structural, functional, and spatial information, amino acid conservation, physicochemical variation, residue mobility, and thermodynamic stability) indicates that this missense variant is not expected to disrupt EGFR protein function with a negative predictive value of 80%. Experimental studies have shown that this missense change affects EGFR function (PMID: 31290142). In summary, the available evidence is currently insufficient to determine the role of this variant in disease. Therefore, it has been classified as a Variant of Uncertain Significance.

Ambry Genetics
Classification: Uncertain significance for Hereditary cancer-predisposing syndrome. Last evaluated: 2025-01-03. Review status: criteria provided, single submitter. Criteria: Ambry Variant Classification Scheme 2023. Collection method: clinical testing. Allele origin: germline.
Comment: The p.E114K variant (also known as c.340G>A), located in coding exon 3 of the EGFR gene, results from a G to A substitution at nucleotide position 340. The glutamic acid at codon 114 is replaced by lysine, an amino acid with similar properties. This amino acid position is well conserved in available vertebrate species. In addition, the in silico prediction for this alteration is inconclusive. Based on the available evidence, the clinical significance of this variant remains unclear.

Literature cited by the submitters: PubMed 31290142 (cited by Labcorp Genetics (formerly Invitae), Labcorp).

NM_005228.5(EGFR):c.340G>A (p.Glu114Lys)

Gene: EGFR (epidermal growth factor receptor; plus strand). Cytogenetic location: 7p11.2.
Variant type: single nucleotide variant.
Coding change: c.340G>A on transcript NM_005228.5 (MANE Select); coding-DNA position 340, G replaced by A.
Protein change: p.Glu114Lys; replaces glutamic acid 114 with lysine.
Molecular consequence: missense variant. On other transcripts: intron variant (1).
Genome position (GRCh38, 1-based): chr7:55,143,404, G>A. VCF-style: chr7-55143404-G-A. GRCh37 (hg19) VCF-style: chr7-55211097-G-A.
Other names: c.340G>A, p.Glu114Lys (NM_001346897.2, NM_001346898.2, NM_001346899.2 and 3 more transcripts); c.181G>A, p.Glu61Lys (NM_001346900.2); c.89-12426G>A (NM_001346941.2); c.340G>A (NM_005228.3); short protein forms E114K, E61K.
Identifiers: ClinVar variation 1059673 (VCV001059673.8), dbSNP rs1219568637, ClinGen allele CA367575828.